The following is an entry in ClinVar:

NM_001009944.3(PKD1):c.9397+1G>A

Gene: PKD1 (polycystin 1, transient receptor potential channel interacting; minus strand). Cytogenetic location: 16p13.3.
Variant type: single nucleotide variant.
Coding change: c.9397+1G>A on transcript NM_001009944.3 (MANE Select); the canonical splice donor site of the intron after coding-DNA position 9397, G replaced by A.
Molecular consequence: splice donor variant.
Genome position (GRCh38, 1-based): chr16:2,102,060, C>T on the plus strand (G>A on the coding strand, the complement: PKD1 is on the minus strand). VCF-style: chr16-2102060-C-T. GRCh37 (hg19) VCF-style: chr16-2152061-C-T.
Other names: c.9397+1G>A (NM_000296.4).
Identifiers: ClinVar variation 4998943 (VCV004998943.1).

ClinVar aggregate classification (germline): Pathogenic (1 of 4 stars; one submission).

Conditions:
PKD1-related disorder. Also called: PKD1-related condition.

Submission:

PreventionGenetics, part of Exact Sciences
Classification: Pathogenic for PKD1-related condition. Last evaluated: 2025-04-21. Review status: criteria provided, single submitter. Criteria: ACMG Guidelines, 2015. Collection method: clinical testing. Allele origin: germline.
Comment: The PKD1 c.9397+1G>A variant is predicted to disrupt the GT donor site and interfere with normal splicing. This variant was reported in an individual with autosomal dominant polycystic kidney disease (ADPKD) (Borràs et al. 2017. PubMed ID: 28378423). This variant has not been reported in a large population database (gnomAD), indicating this variant is rare. Variants that disrupt the consensus splice donor site in PKD1 are expected to be pathogenic. This variant is interpreted as pathogenic.